The following is an entry in ClinVar:

NM_001126108.2(SLC12A3):c.1247G>C (p.Cys416Ser)

Gene: SLC12A3 (solute carrier family 12 member 3; plus strand). Cytogenetic location: 16q13.
Variant type: single nucleotide variant.
Coding change: c.1247G>C on transcript NM_001126108.2 (MANE Select); coding-DNA position 1247, G replaced by C.
Protein change: p.Cys416Ser; replaces cysteine 416 with serine.
Molecular consequence: missense variant.
Genome position (GRCh38, 1-based): chr16:56,879,139, G>C. VCF-style: chr16-56879139-G-C. GRCh37 (hg19) VCF-style: chr16-56913051-G-C.
Other names: c.1247G>C, p.Cys416Ser (NM_000339.3); c.1244G>C, p.Cys415Ser (NM_001126107.2); short protein forms C415S, C416S.
Identifiers: ClinVar variation 992415 (VCV000992415.5), dbSNP rs1429832884, ClinGen allele CA395985828.
Genomic context (GRCh38, chr16:56,879,139, plus strand): 5'-GCGTGGTGCGTGATGCCTCTGGGGTCCTGAATGACACAGTGACCCCTGGCTGGGGTGCCT[G>C]CGAGGGGCTGGCCTGCAGCTATGGCTGGAACTTCACCGAGTGCACCCAGCAGCACAGCTG-3'
Protein context (NP_001119580.2, residues 406-426): NDTVTPGWGA[Cys416Ser]EGLACSYGWN

ClinVar aggregate classification (germline): Uncertain significance. Review status: criteria provided, single submitter (1 of 4 stars). 2 submissions from 2 submitters: Uncertain significance (1). 1 of the submissions does not count toward it. Last evaluated 2025-07-03.

Conditions:
Familial hypokalemia-hypomagnesemia (GTLMNS). Also called: POTASSIUM AND MAGNESIUM DEPLETION; HYPOMAGNESEMIA-HYPOKALEMIA, PRIMARY RENOTUBULAR, WITH HYPOCALCIURIA; gitelman syndrome. Identifiers: Orphanet 358, MedGen C0268450, MONDO:0009904, OMIM 263800.

Allele frequency attached by ClinVar (database versions not stated): gnomAD exomes below 0.00001; TOPMed 0.00001.
gnomAD v4.1: 1 of 1,613,914 alleles (0.000062%); highest among the groups gnomAD compares: Non-Finnish European, 0.000085%; no homozygotes.

Submissions (2):

Women's Health and Genetics/Laboratory Corporation of America, LabCorp
Classification: Uncertain significance. Last evaluated: 2025-07-03. Review status: criteria provided, single submitter. Criteria: LabCorp Variant Classification Summary - May 2015. Collection method: clinical testing. Allele origin: germline.
Comment: Variant summary: SLC12A3 c.1247G>C (p.Cys416Ser) results in a non-conservative amino acid change located in the Amino acid permease/ SLC12A domain (IPR004841) of the encoded protein sequence. Algorithms developed to predict the effect of missense changes on protein structure and function are either unavailable or do not agree on the potential impact of this missense change. The variant was absent in 250568 control chromosomes. The available data on variant occurrences in the general population are insufficient to allow any conclusion about variant significance. c.1247G>C has been observed in an individual affected with Gitelman syndrome (e.g. Flisinski_2022). These data do not allow any conclusion about variant significance. To our knowledge, no experimental evidence demonstrating an impact on protein function has been reported. The following publications have been ascertained in the context of this evaluation (PMID: 35509038, 21415153). ClinVar contains an entry for this variant (Variation ID: 992415). Based on the evidence outlined above, the variant was classified as uncertain significance.

Bioscientia Institut fuer Medizinische Diagnostik GmbH, Sonic Healthcare
Classification: Likely pathogenic for Familial hypokalemia-hypomagnesemia. Last evaluated: 2020-01-14. Review status: no assertion criteria provided. Collection method: clinical testing. Allele origin: germline. Affected: yes. Not counted in ClinVar's aggregate classification.

Literature cited by the submitters: PubMed 35509038 (cited by Women's Health and Genetics/Laboratory Corporation of America, LabCorp); PubMed 21415153 (cited by Women's Health and Genetics/Laboratory Corporation of America, LabCorp).